The following is an entry in ClinVar:

ClinVar aggregate classification (germline): Likely benign. Review status: criteria provided, multiple submitters, no conflicts (2 of 4 stars). 3 submissions from 3 submitters: Likely benign (2). 1 of the submissions does not count toward it. Last evaluated 2026-01-18.

Conditions:
CORO1A-related disorder. Also called: CORO1A-related condition.
Severe combined immunodeficiency due to CORO1A deficiency. Also called: Immunodeficiency 8; IMMUNODEFICIENCY 8 WITH LYMPHOPROLIFERATION. Identifiers: Orphanet 228003, MedGen C3809383, MONDO:0014168, OMIM 615401.

Allele frequency attached by ClinVar (database versions not stated): 1000 Genomes Project 30x 0.00016; 1000 Genomes Project 0.00020; TOPMed 0.00020; gnomAD 0.00022 and 0.00023; gnomAD exomes 0.00027 and 0.00030; ESP Exome Variant Server 0.00031; ExAC 0.00033.

Submissions (3):

Labcorp Genetics (formerly Invitae), Labcorp
Classification: Likely benign for Severe combined immunodeficiency due to CORO1A deficiency. Last evaluated: 2026-01-18. Review status: criteria provided, single submitter. Criteria: Invitae Variant Classification Sherloc (09022015). Collection method: clinical testing. Allele origin: germline.

Blueprint Genetics
Classification: Likely benign. Last evaluated: 2023-07-18. Review status: criteria provided, single submitter. Criteria: ACMG Guidelines, 2015. Collection method: clinical testing. Allele origin: germline.

PreventionGenetics, part of Exact Sciences
Classification: Likely benign for CORO1A-related condition. Last evaluated: 2019-07-15. Review status: no assertion criteria provided. Collection method: clinical testing. Allele origin: germline. Not counted in ClinVar's aggregate classification.
Comment: This variant is classified as likely benign based on ACMG/AMP sequence variant interpretation guidelines (Richards et al. 2015 PMID: 25741868, with internal and published modifications).

NM_007074.4(CORO1A):c.792G>A (p.Leu264=)

Gene: CORO1A (coronin 1A; plus strand). Cytogenetic location: 16p11.2.
Variant type: single nucleotide variant.
Coding change: c.792G>A on transcript NM_007074.4 (MANE Select); coding-DNA position 792, G replaced by A.
Protein change: p.Leu264=; no amino-acid change (leucine 264 retained).
Molecular consequence: synonymous variant.
Genome position (GRCh38, 1-based): chr16:30,187,760, G>A. VCF-style: chr16-30187760-G-A. GRCh37 (hg19) VCF-style: chr16-30199081-G-A.
Other names: c.792G>A, p.Leu264= (NM_001193333.3).
Identifiers: ClinVar variation 541424 (VCV000541424.15), dbSNP rs139024575, ClinGen allele CA8003266.